The following is an entry in ClinVar:

NM_004656.4(BAP1):c.1310T>C (p.Leu437Pro)

Gene: BAP1 (BRCA1 associated deubiquitinase 1; minus strand). Cytogenetic location: 3p21.1.
Variant type: single nucleotide variant.
Coding change: c.1310T>C on transcript NM_004656.4 (MANE Select); coding-DNA position 1310, T replaced by C.
Protein change: p.Leu437Pro; replaces leucine 437 with proline.
Molecular consequence: missense variant.
Genome position (GRCh38, 1-based): chr3:52,403,835, A>G on the plus strand (T>C on the coding strand, the complement: BAP1 is on the minus strand). VCF-style: chr3-52403835-A-G. GRCh37 (hg19) VCF-style: chr3-52437851-A-G.
Other names: c.1310T>C (NM_004656.2); short protein forms L437P.
Identifiers: ClinVar variation 841071 (VCV000841071.11), dbSNP rs1705060025, ClinGen allele CA353102191.

ClinVar aggregate classification (germline): Uncertain significance. Review status: criteria provided, multiple submitters, no conflicts (2 of 4 stars). 2 submissions from 2 submitters: Uncertain significance (2). Last evaluated 2023-11-17.

Conditions:
Hereditary cancer-predisposing syndrome. Also called: Hereditary Cancer Syndrome; Hereditary neoplastic syndrome; Tumor predisposition; Neoplastic Syndromes, Hereditary. Identifiers: Orphanet 140162, MedGen C0027672, MeSH D009386, MONDO:0015356.
BAP1-related tumor predisposition syndrome (TPDS1). Also called: BAP1 tumor predisposition syndrome; Tumor susceptibility linked to germline BAP1 mutations; COMMON Syndrome; TUMOR PREDISPOSITION SYNDROME 1. Identifiers: Orphanet 289539, MedGen C3280492, MONDO:0013692, OMIM 614327.

Submissions (2):

Ambry Genetics
Classification: Uncertain significance for Hereditary cancer-predisposing syndrome. Last evaluated: 2023-11-17. Review status: criteria provided, single submitter. Criteria: Ambry Variant Classification Scheme 2023. Collection method: clinical testing. Allele origin: germline.
Comment: The p.L437P variant (also known as c.1310T>C), located in coding exon 13 of the BAP1 gene, results from a T to C substitution at nucleotide position 1310. The leucine at codon 437 is replaced by proline, an amino acid with similar properties. This amino acid position is highly conserved in available vertebrate species. In addition, this alteration is predicted to be deleterious by in silico analysis. Since supporting evidence is limited at this time, the clinical significance of this alteration remains unclear.

Labcorp Genetics (formerly Invitae), Labcorp
Classification: Uncertain significance for BAP1-related tumor predisposition syndrome. Last evaluated: 2023-05-18. Review status: criteria provided, single submitter. Criteria: Invitae Variant Classification Sherloc (09022015). Collection method: clinical testing. Allele origin: germline.
Comment: In summary, the available evidence is currently insufficient to determine the role of this variant in disease. Therefore, it has been classified as a Variant of Uncertain Significance. Advanced modeling of protein sequence and biophysical properties (such as structural, functional, and spatial information, amino acid conservation, physicochemical variation, residue mobility, and thermodynamic stability) performed at Invitae indicates that this missense variant is not expected to disrupt BAP1 protein function. ClinVar contains an entry for this variant (Variation ID: 841071). This variant has not been reported in the literature in individuals affected with BAP1-related conditions. This variant is not present in population databases (gnomAD no frequency). This sequence change replaces leucine, which is neutral and non-polar, with proline, which is neutral and non-polar, at codon 437 of the BAP1 protein (p.Leu437Pro).